The following is an entry in ClinVar:

ClinVar aggregate classification (germline): Uncertain significance (1 of 4 stars; one submission).

gnomAD v4.1: 3 of 1,606,428 alleles (0.00019%); highest among the groups gnomAD compares: Non-Finnish European, 0.00026%; no homozygotes.

Submission:

Labcorp Genetics (formerly Invitae), Labcorp
Classification: Uncertain significance. Last evaluated: 2025-04-30. Review status: criteria provided, single submitter. Criteria: Invitae Variant Classification Sherloc (09022015). Collection method: clinical testing. Allele origin: germline.
Comment: This sequence change replaces leucine, which is neutral and non-polar, with valine, which is neutral and non-polar, at codon 335 of the TNFAIP3 protein (p.Leu335Val). This variant is present in population databases (rs747150217, gnomAD 0.004%). This variant has not been reported in the literature in individuals affected with TNFAIP3-related conditions. ClinVar contains an entry for this variant (Variation ID: 3605580). Invitae Evidence Modeling of protein sequence and biophysical properties (such as structural, functional, and spatial information, amino acid conservation, physicochemical variation, residue mobility, and thermodynamic stability) indicates that this missense variant is expected to disrupt TNFAIP3 protein function with a positive predictive value of 80%. In summary, the available evidence is currently insufficient to determine the role of this variant in disease. Therefore, it has been classified as a Variant of Uncertain Significance.

NM_001270508.2(TNFAIP3):c.1003T>G (p.Leu335Val)

Gene: TNFAIP3 (TNF alpha induced protein 3; plus strand). Cytogenetic location: 6q23.3.
Variant type: single nucleotide variant.
Coding change: c.1003T>G on transcript NM_001270508.2 (MANE Select); coding-DNA position 1003, T replaced by G.
Protein change: p.Leu335Val; replaces leucine 335 with valine.
Molecular consequence: missense variant.
Genome position (GRCh38, 1-based): chr6:137,878,448, T>G. VCF-style: chr6-137878448-T-G. GRCh37 (hg19) VCF-style: chr6-138199585-T-G.
Other names: c.1003T>G, p.Leu335Val (NM_001270507.2, NM_006290.4); short protein forms L335V.
Identifiers: ClinVar variation 3605580 (VCV003605580.2).